The following is an entry in ClinVar:

NM_015346.4(ZFYVE26):c.2554-3C>T

Gene: ZFYVE26 (zinc finger FYVE-type containing 26; minus strand). Cytogenetic location: 14q24.1.
Variant type: single nucleotide variant.
Coding change: c.2554-3C>T on transcript NM_015346.4 (MANE Select); 3 bases into the intron before coding-DNA position 2554, C replaced by T.
Molecular consequence: intron variant.
Genome position (GRCh38, 1-based): chr14:67,790,776, G>A on the plus strand (C>T on the coding strand, the complement: ZFYVE26 is on the minus strand). VCF-style: chr14-67790776-G-A. GRCh37 (hg19) VCF-style: chr14-68257493-G-A.
Identifiers: ClinVar variation 1957493 (VCV001957493.2), dbSNP rs768682526, ClinGen allele CA7240230.

ClinVar aggregate classification (germline): Uncertain significance (1 of 4 stars; one submission).

Conditions:
Spastic paraplegia. Identifiers: MedGen C0037772, HP:0001258.

Allele frequency attached by ClinVar (database versions not stated): gnomAD exomes below 0.00001; ExAC 0.00001; gnomAD 0.00001; TOPMed 0.00001.
gnomAD v4.1: 4 of 1,613,716 alleles (0.00025%); highest among the groups gnomAD compares: Non-Finnish European, 0.00034%; no homozygotes.

Submission:

Labcorp Genetics (formerly Invitae), Labcorp
Classification: Uncertain significance for Spastic paraplegia. Last evaluated: 2022-01-15. Review status: criteria provided, single submitter. Criteria: Invitae Variant Classification Sherloc (09022015). Collection method: clinical testing. Allele origin: germline.
Comment: This sequence change falls in intron 14 of the ZFYVE26 gene. It does not directly change the encoded amino acid sequence of the ZFYVE26 protein. It affects a nucleotide within the consensus splice site. This variant is present in population databases (rs768682526, gnomAD 0.0009%). This variant has not been reported in the literature in individuals affected with ZFYVE26-related conditions. Variants that disrupt the consensus splice site are a relatively common cause of aberrant splicing (PMID: 17576681, 9536098). Algorithms developed to predict the effect of sequence changes on RNA splicing suggest that this variant is not likely to affect RNA splicing. In summary, the available evidence is currently insufficient to determine the role of this variant in disease. Therefore, it has been classified as a Variant of Uncertain Significance.

Literature cited by the submitters: PubMed 17576681; PubMed 9536098.